The following is an entry in ClinVar:

NM_017636.4(TRPM4):c.2404C>T (p.Leu802Phe)

Gene: TRPM4 (transient receptor potential cation channel subfamily M member 4; plus strand). Cytogenetic location: 19q13.33.
Variant type: single nucleotide variant.
Coding change: c.2404C>T on transcript NM_017636.4 (MANE Select); coding-DNA position 2404, C replaced by T.
Protein change: p.Leu802Phe; replaces leucine 802 with phenylalanine.
Molecular consequence: missense variant. On other transcripts: intron variant (1).
Genome position (GRCh38, 1-based): chr19:49,196,633, C>T. VCF-style: chr19-49196633-C-T. GRCh37 (hg19) VCF-style: chr19-49699890-C-T.
Other names: c.2059C>T, p.Leu687Phe (NM_001321281.2); c.796C>T, p.Leu266Phe (NM_001321282.2); c.1882C>T, p.Leu628Phe (NM_001321283.2); c.1342C>T, p.Leu448Phe (NM_001321285.2); c.2211-3667C>T (NM_001195227.2); short protein forms L802F, L687F, L266F, L628F, L448F.
Identifiers: ClinVar variation 451376 (VCV000451376.13), dbSNP rs1289712382, ClinGen allele CA406809147.

ClinVar aggregate classification (germline): Uncertain significance. Review status: criteria provided, multiple submitters, no conflicts (2 of 4 stars). 3 submissions from 3 submitters: Uncertain significance (3). Last evaluated 2025-10-09.

Conditions:
Progressive familial heart block type IB (PFHB1B). Identifiers: Orphanet 871, MedGen C1970298, MONDO:0011474, OMIM 604559.
Cardiovascular phenotype. Identifiers: MedGen CN230736.

Allele frequency attached by ClinVar (database versions not stated): gnomAD 0.00001; gnomAD exomes 0.00001 and 0.00006; TOPMed 0.00002.

Submissions (3):

Labcorp Genetics (formerly Invitae), Labcorp
Classification: Uncertain significance for Progressive familial heart block type IB. Last evaluated: 2025-10-09. Review status: criteria provided, single submitter. Criteria: Invitae Variant Classification Sherloc (09022015). Collection method: clinical testing. Allele origin: germline.
Comment: This sequence change replaces leucine, which is neutral and non-polar, with phenylalanine, which is neutral and non-polar, at codon 802 of the TRPM4 protein (p.Leu802Phe). This variant is present in population databases (no rsID available, gnomAD 0.002%). This missense change has been observed in individual(s) with sudden unexpected death in children (PMID: 37589201). ClinVar contains an entry for this variant (Variation ID: 451376). An algorithm developed to predict the effect of missense changes on protein structure and function (PolyPhen-2) suggests that this variant is likely to be tolerated. In summary, the available evidence is currently insufficient to determine the role of this variant in disease. Therefore, it has been classified as a Variant of Uncertain Significance.

Ambry Genetics
Classification: Uncertain significance for Cardiovascular phenotype. Last evaluated: 2025-06-30. Review status: criteria provided, single submitter. Criteria: Ambry Variant Classification Scheme 2023. Collection method: clinical testing. Allele origin: germline.
Comment: The p.L802F variant (also known as c.2404C>T), located in coding exon 17 of the TRPM4 gene, results from a C to T substitution at nucleotide position 2404. The leucine at codon 802 is replaced by phenylalanine, an amino acid with highly similar properties. This amino acid position is well conserved in available vertebrate species. In addition, the in silico prediction for this alteration is inconclusive. Since supporting evidence is limited at this time, the clinical significance of this alteration remains unclear.

GeneDx
Classification: Uncertain significance. Last evaluated: 2017-08-15. Review status: criteria provided, single submitter. Criteria: GeneDx Variant Classification (06012015). Collection method: clinical testing. Allele origin: germline. Affected: yes.
Comment: A variant of uncertain significance has been identified in the TRPM4 gene. The L802F variant has not been published as pathogenic or been reported as benign to our knowledge. This variant is also not observed in large population cohorts (Lek et al., 2016; 1000 Genomes Consortium et al., 2015; Exome Variant Server). This substitution occurs at a position that is conserved across species and in silico analysis predicts this variant is probably damaging to the protein structure/function. Nevertheless, L802F is a conservative amino acid substitution, which is not likely to impact secondary protein structure as these residues share similar properties.

Literature cited by the submitters: PubMed 37589201 (cited by Labcorp Genetics (formerly Invitae), Labcorp).